The following is an entry in ClinVar:

ClinVar aggregate classification (germline): Pathogenic (1 of 4 stars; one submission).

Conditions:
Seizures, benign familial infantile, 3 (BFIS3). Also called: CONVULSIONS, BENIGN FAMILIAL INFANTILE, 3; Familial neonatal seizures. Identifiers: Orphanet 140927, Orphanet 306, MedGen C1843140, MONDO:0011904, OMIM 607745.
Developmental and epileptic encephalopathy, 11 (DEE11). Also called: Early infantile epileptic encephalopathy 11. Identifiers: Orphanet 1934, MedGen C3150987, MONDO:0013388, OMIM 613721.

Submission:

Labcorp Genetics (formerly Invitae), Labcorp
Classification: Pathogenic for Seizures, benign familial infantile, 3; Developmental and epileptic encephalopathy, 11. Last evaluated: 2019-07-25. Review status: criteria provided, single submitter. Criteria: Invitae Variant Classification Sherloc (09022015). Collection method: clinical testing. Allele origin: germline.
Comment: This sequence change creates a premature translational stop signal (p.Gln3*) in the SCN2A gene. It is expected to result in an absent or disrupted protein product. This variant is not present in population databases (ExAC no frequency). This variant has not been reported in the literature in individuals with SCN2A-related conditions. Loss-of-function variants in SCN2A are known to be pathogenic (PMID: 22495306, 23020937, 24650168). For these reasons, this variant has been classified as Pathogenic.

Literature cited by the submitters: PubMed 22495306; PubMed 23020937; PubMed 24650168.

NM_001040142.2(SCN2A):c.7C>T (p.Gln3Ter)

Gene: SCN2A (sodium voltage-gated channel alpha subunit 2; plus strand). Cytogenetic location: 2q24.3.
Variant type: single nucleotide variant.
Coding change: c.7C>T on transcript NM_001040142.2 (MANE Select); coding-DNA position 7, C replaced by T.
Protein change: p.Gln3Ter; replaces glutamine 3 with a stop codon.
Molecular consequence: nonsense.
Genome position (GRCh38, 1-based): chr2:165,295,830, C>T. VCF-style: chr2-165295830-C-T. GRCh37 (hg19) VCF-style: chr2-166152340-C-T.
Other names: c.7C>T, p.Gln3Ter (NM_001040143.2, NM_001371246.1, NM_001371247.1 and 1 more transcripts); short protein forms Q3*.
Identifiers: ClinVar variation 962441 (VCV000962441.8), dbSNP rs1553564141, ClinGen allele CA349009632.